The following is an entry in ClinVar:

ClinVar aggregate classification (germline): Uncertain significance (1 of 4 stars; one submission).

Conditions:
Familial thoracic aortic aneurysm and aortic dissection (TAAD). Also called: Thoracic aortic aneurysms and dissections. Identifiers: Orphanet 91387, MedGen C4707243, MONDO:0019625.

Submission:

Color Diagnostics, LLC DBA Color Health
Classification: Uncertain significance for Familial thoracic aortic aneurysm and aortic dissection. Last evaluated: 2025-09-05. Review status: criteria provided, single submitter. Criteria: ACMG Guidelines, 2015. Collection method: clinical testing. Allele origin: germline.
Comment: This missense variant replaces glycine with arginine at codon 1385 of the FBN1 protein. Computational prediction suggests that this variant may have deleterious impact on protein structure and function. To our knowledge, functional studies have not been reported for this variant. This variant has not been reported in individuals affected with FBN1-related disorders in the literature. This variant has not been identified in the general population by the Genome Aggregation Database (gnomAD). The available evidence is insufficient to determine the role of this variant in disease conclusively. Therefore, this variant is classified as a Variant of Uncertain Significance.

NM_000138.5(FBN1):c.4153G>C (p.Gly1385Arg)

Gene: FBN1 (fibrillin 1; minus strand). Cytogenetic location: 15q21.1.
Variant type: single nucleotide variant.
Coding change: c.4153G>C on transcript NM_000138.5 (MANE Select); coding-DNA position 4153, G replaced by C.
Protein change: p.Gly1385Arg; replaces glycine 1385 with arginine.
Molecular consequence: missense variant.
Genome position (GRCh38, 1-based): chr15:48,474,312, C>G on the plus strand (G>C on the coding strand, the complement: FBN1 is on the minus strand). VCF-style: chr15-48474312-C-G. GRCh37 (hg19) VCF-style: chr15-48766509-C-G.
Other names: c.4153G>C, p.Gly1385Arg (NM_001406716.1); short protein forms G1385R.
Identifiers: ClinVar variation 4756390 (VCV004756390.1).